The following is an entry in ClinVar:

NM_000090.4(COL3A1):c.1743C>T (p.Pro581=)

Gene: COL3A1 (collagen type III alpha 1 chain; plus strand). Cytogenetic location: 2q32.2.
Variant type: single nucleotide variant.
Coding change: c.1743C>T on transcript NM_000090.4 (MANE Select); coding-DNA position 1743, C replaced by T.
Protein change: p.Pro581=; no amino-acid change (proline 581 retained).
Molecular consequence: synonymous variant.
Genome position (GRCh38, 1-based): chr2:188,996,478, C>T. VCF-style: chr2-188996478-C-T. GRCh37 (hg19) VCF-style: chr2-189861204-C-T.
Identifiers: ClinVar variation 1096596 (VCV001096596.32), dbSNP rs140229974, ClinGen allele CA074601.

ClinVar aggregate classification (germline): Likely benign. Review status: criteria provided, multiple submitters, no conflicts (2 of 4 stars). 7 submissions from 7 submitters: Likely benign (6). 1 of the submissions does not count toward it. Last evaluated 2025-05-01.

Conditions:
COL3A1-related disorder. Also called: COL3A1-related condition.
Familial thoracic aortic aneurysm and aortic dissection (TAAD). Also called: Thoracic aortic aneurysms and dissections. Identifiers: Orphanet 91387, MedGen C4707243, MONDO:0019625.
Ehlers-Danlos syndrome, type 4 (EDSVASC). Also called: Ehlers-Danlos syndrome vascular type; Ehlers Danlos syndrome, ecchymotic type; Ehlers Danlos syndrome, arterial type; Ehlers Danlos syndrome, Sack-Barabas type; Ehlers-Danlos Syndrome Type IV. Identifiers: Orphanet 286, MedGen C0268338, MONDO:0017314, OMIM 130050.

Allele frequency attached by ClinVar (database versions not stated): gnomAD exomes 0.00001 and 0.00004; ExAC 0.00004; TOPMed 0.00004; ESP Exome Variant Server 0.00008.
gnomAD v4.1: 23 of 1,613,498 alleles (0.0014%); highest among the groups gnomAD compares: East Asian, 0.0089%; no homozygotes.

Submissions (7):

Labcorp Genetics (formerly Invitae), Labcorp
Classification: Likely benign for Ehlers-Danlos syndrome, type 4. Last evaluated: 2025-05-01. Review status: criteria provided, single submitter. Criteria: Invitae Variant Classification Sherloc (09022015). Collection method: clinical testing. Allele origin: germline.

CeGaT Center for Human Genetics Tuebingen
Classification: Likely benign. Last evaluated: 2024-07-01. Review status: criteria provided, single submitter. Criteria: CeGaT Center For Human Genetics Tuebingen Variant Classification Criteria Version 2. Collection method: clinical testing. Allele origin: germline. Affected: yes. Observed: 1 variant allele.
Comment: COL3A1: BP4, BP7

All of Us Research Program, National Institutes of Health
Classification: Likely benign for Ehlers-Danlos syndrome, type 4. Last evaluated: 2023-12-18. Review status: criteria provided, single submitter. Criteria: ACMG Guidelines, 2015. Collection method: clinical testing. Allele origin: germline. Inheritance: Autosomal dominant inheritance. Observed: 4 variant alleles, 4 heterozygotes.
Comment: This study involves interpretation of variants in research participants for the purpose of population health screening. Participant phenotype was not available at the time of variant classification. Additional details can be found in publication PMID: 35346344, PMCID: PMC8962531

Ambry Genetics
Classification: Likely benign for Familial thoracic aortic aneurysm and aortic dissection. Last evaluated: 2022-12-25. Review status: criteria provided, single submitter. Criteria: Ambry Variant Classification Scheme 2023. Collection method: clinical testing. Allele origin: germline.

Blueprint Genetics
Classification: Likely benign. Last evaluated: 2022-09-20. Review status: criteria provided, single submitter. Criteria: ACMG Guidelines, 2015. Collection method: clinical testing. Allele origin: germline.

Color Diagnostics, LLC DBA Color Health
Classification: Likely benign for Familial thoracic aortic aneurysm and aortic dissection. Last evaluated: 2020-09-28. Review status: criteria provided, single submitter. Criteria: ACMG Guidelines, 2015. Collection method: clinical testing. Allele origin: germline.

PreventionGenetics, part of Exact Sciences
Classification: Likely benign for COL3A1-related condition. Last evaluated: 2019-05-01. Review status: no assertion criteria provided. Collection method: clinical testing. Allele origin: germline. Not counted in ClinVar's aggregate classification.
Comment: This variant is classified as likely benign based on ACMG/AMP sequence variant interpretation guidelines (Richards et al. 2015 PMID: 25741868, with internal and published modifications).